The following is an entry in ClinVar:

NM_002334.4(LRP4):c.3454A>G (p.Asn1152Asp)

Gene: LRP4 (LDL receptor related protein 4; minus strand). Cytogenetic location: 11p11.2.
Variant type: single nucleotide variant.
Coding change: c.3454A>G on transcript NM_002334.4 (MANE Select); coding-DNA position 3454, A replaced by G.
Protein change: p.Asn1152Asp; replaces asparagine 1152 with aspartic acid.
Molecular consequence: missense variant.
Genome position (GRCh38, 1-based): chr11:46,876,548, T>C on the plus strand (A>G on the coding strand, the complement: LRP4 is on the minus strand). VCF-style: chr11-46876548-T-C. GRCh37 (hg19) VCF-style: chr11-46898099-T-C.
Other names: short protein forms N1152D.
Identifiers: ClinVar variation 1907558 (VCV001907558.6), dbSNP rs765327905, ClinGen allele CA5969594.

ClinVar aggregate classification (germline): Uncertain significance. Review status: criteria provided, multiple submitters, no conflicts (2 of 4 stars). 3 submissions from 3 submitters: Uncertain significance (2). 1 of the submissions does not count toward it. Last evaluated 2025-09-02.

Conditions:
LRP4-related disorder. Also called: LRP4-related condition.
Inborn genetic diseases. Identifiers: MedGen C0950123, MeSH D030342.
Cenani-Lenz syndactyly syndrome. Also called: SYNDACTYLY, TYPE VII; CENANI SYNDACTYLISM. Identifiers: Orphanet 3258, MedGen C1859309, MONDO:0008931, OMIM 212780.
Sclerosteosis 2 (SOST2). Identifiers: Orphanet 3152, MedGen C3280402, MONDO:0013679, OMIM 614305.
Congenital myasthenic syndrome 17. Identifiers: Orphanet 590, MedGen C4225377, MONDO:0014578, OMIM 616304.

Allele frequency attached by ClinVar (database versions not stated): gnomAD 0.00001; gnomAD exomes 0.00003; TOPMed 0.00003; ExAC 0.00004.
gnomAD v4.1: 51 of 1,614,120 alleles (0.0032%); highest among the groups gnomAD compares: Middle Eastern, 0.016%; no homozygotes.

Submissions (3):

Labcorp Genetics (formerly Invitae), Labcorp
Classification: Uncertain significance for Cenani-Lenz syndactyly syndrome; Sclerosteosis 2; Congenital myasthenic syndrome 17. Last evaluated: 2025-09-02. Review status: criteria provided, single submitter. Criteria: Invitae Variant Classification Sherloc (09022015). Collection method: clinical testing. Allele origin: germline.
Comment: This sequence change replaces asparagine, which is neutral and polar, with aspartic acid, which is acidic and polar, at codon 1152 of the LRP4 protein (p.Asn1152Asp). This variant is present in population databases (rs765327905, gnomAD 0.009%). This variant has not been reported in the literature in individuals affected with LRP4-related conditions. ClinVar contains an entry for this variant (Variation ID: 1907558). Invitae Evidence Modeling of protein sequence and biophysical properties (such as structural, functional, and spatial information, amino acid conservation, physicochemical variation, residue mobility, and thermodynamic stability) has been performed for this missense variant. However, the output from this modeling did not meet the statistical confidence thresholds required to predict the impact of this variant on LRP4 protein function. In summary, the available evidence is currently insufficient to determine the role of this variant in disease. Therefore, it has been classified as a Variant of Uncertain Significance.

Ambry Genetics
Classification: Uncertain significance for Inborn genetic diseases. Last evaluated: 2025-08-28. Review status: criteria provided, single submitter. Criteria: Ambry Variant Classification Scheme 2023. Collection method: clinical testing. Allele origin: germline.

PreventionGenetics, part of Exact Sciences
Classification: Uncertain significance for LRP4-related condition. Last evaluated: 2024-04-05. Review status: no assertion criteria provided. Collection method: clinical testing. Allele origin: germline. Not counted in ClinVar's aggregate classification.
Comment: The LRP4 c.3454A>G variant is predicted to result in the amino acid substitution p.Asn1152Asp. To our knowledge, this variant has not been reported in the literature. This variant is reported in 0.0087% of alleles in individuals of Latino descent in gnomAD. At this time, the clinical significance of this variant is uncertain due to the absence of conclusive functional and genetic evidence.